The following is an entry in ClinVar:

NM_001142864.4(PIEZO1):c.94C>A (p.Leu32Met)

Gene: PIEZO1 (piezo type mechanosensitive ion channel component 1 (Er blood group); minus strand). Cytogenetic location: 16q24.3.
Variant type: single nucleotide variant.
Coding change: c.94C>A on transcript NM_001142864.4 (MANE Select); coding-DNA position 94, C replaced by A.
Protein change: p.Leu32Met; replaces leucine 32 with methionine.
Molecular consequence: missense variant.
Genome position (GRCh38, 1-based): chr16:88,749,450, G>T on the plus strand (C>A on the coding strand, the complement: PIEZO1 is on the minus strand). VCF-style: chr16-88749450-G-T. GRCh37 (hg19) VCF-style: chr16-88815858-G-T.
Other names: c.94C>A (NM_001142864.2); short protein forms L32M.
Identifiers: ClinVar variation 723849 (VCV000723849.14), dbSNP rs370663645, ClinGen allele CA8233431.

ClinVar aggregate classification (germline): Conflicting classifications of pathogenicity. Review status: criteria provided, conflicting classifications (1 of 4 stars). 5 submissions from 5 submitters: Uncertain significance (3); Likely benign (1). 1 of the submissions does not count toward it. Last evaluated 2026-01-16.

Conditions:
PIEZO1-related disorder. Also called: PIEZO1-related condition; PIEZO1-Related Disorders.
Inborn genetic diseases. Identifiers: MedGen C0950123, MeSH D030342.

Allele frequency attached by ClinVar (database versions not stated): gnomAD exomes 0.00019; ExAC 0.00036; ESP Exome Variant Server 0.00044; TOPMed 0.00083; gnomAD 0.00091; 1000 Genomes Project 0.00160; 1000 Genomes Project 30x 0.00172.
gnomAD v4.1: 227 of 1,524,278 alleles (0.015%); highest among the groups gnomAD compares: African/African-American, 0.28%; no homozygotes.

Submissions (5):

Labcorp Genetics (formerly Invitae), Labcorp
Classification: Likely benign. Last evaluated: 2026-01-16. Review status: criteria provided, single submitter. Criteria: Invitae Variant Classification Sherloc (09022015). Collection method: clinical testing. Allele origin: germline.

GeneDx
Classification: Uncertain significance. Last evaluated: 2025-01-24. Review status: criteria provided, single submitter. Criteria: GeneDx Variant Classification Process June 2021. Collection method: clinical testing. Allele origin: germline. Affected: yes.
Comment: Has not been previously published as pathogenic or benign to our knowledge; In silico analysis indicates that this missense variant does not alter protein structure/function

Revvity Omics, Revvity
Classification: Uncertain significance. Last evaluated: 2024-10-28. Review status: criteria provided, single submitter. Criteria: ACMG Guidelines, 2015. Collection method: clinical testing. Allele origin: germline.

Ambry Genetics
Classification: Uncertain significance for Inborn genetic diseases. Last evaluated: 2023-12-20. Review status: criteria provided, single submitter. Criteria: Ambry Variant Classification Scheme 2023. Collection method: clinical testing. Allele origin: germline.

PreventionGenetics, part of Exact Sciences
Classification: Likely benign for PIEZO1-related condition. Last evaluated: 2023-03-20. Review status: no assertion criteria provided. Collection method: clinical testing. Allele origin: germline. Not counted in ClinVar's aggregate classification.
Comment: This variant is classified as likely benign based on ACMG/AMP sequence variant interpretation guidelines (Richards et al. 2015 PMID: 25741868, with internal and published modifications).